The following is an entry in ClinVar:

ClinVar aggregate classification (germline): Conflicting classifications of pathogenicity. Review status: criteria provided, conflicting classifications (1 of 4 stars). 7 submissions from 7 submitters: Uncertain significance (1); Benign (2); Likely benign (3). 1 of the submissions does not count toward it. Last evaluated 2026-01-27.

Conditions:
OTOGL-related disorder. Also called: OTOGL-related condition.

Allele frequency attached by ClinVar (database versions not stated): gnomAD exomes 0.00069 and 0.00108; ExAC 0.00098; ESP Exome Variant Server 0.00153; gnomAD 0.00189 and 0.00197; TOPMed 0.00223; 1000 Genomes Project 0.00260; 1000 Genomes Project 30x 0.00265.
gnomAD v4.1: 1,365 of 1,593,052 alleles (0.086%); highest among the groups gnomAD compares: Middle Eastern, 0.84%; 6 homozygotes.

Submissions (7):

Labcorp Genetics (formerly Invitae), Labcorp
Classification: Benign. Last evaluated: 2026-01-27. Review status: criteria provided, single submitter. Criteria: Invitae Variant Classification Sherloc (09022015). Collection method: clinical testing. Allele origin: germline.

Blueprint Genetics
Classification: Likely benign. Last evaluated: 2024-11-13. Review status: criteria provided, single submitter. Criteria: ACMG Guidelines, 2015. Collection method: clinical testing. Allele origin: germline.

CeGaT Center for Human Genetics Tuebingen
Classification: Likely benign. Last evaluated: 2024-09-01. Review status: criteria provided, single submitter. Criteria: CeGaT Center For Human Genetics Tuebingen Variant Classification Criteria Version 2. Collection method: clinical testing. Allele origin: germline. Affected: yes. Observed: 1 variant allele.
Comment: OTOGL: BP4

GeneDx
Classification: Likely benign. Last evaluated: 2021-01-18. Review status: criteria provided, single submitter. Criteria: GeneDx Variant Classification Process June 2021. Collection method: clinical testing. Allele origin: germline. Affected: yes.

Eurofins Ntd Llc (ga)
Classification: Uncertain significance. Last evaluated: 2018-02-01. Review status: criteria provided, single submitter. Criteria: EGL Classification Definitions 2015. Collection method: clinical testing. Allele origin: germline. Observed: 1 variant allele, 1 heterozygote.

Laboratory for Molecular Medicine, Mass General Brigham Personalized Medicine
Classification: Benign. Last evaluated: 2014-11-24. Review status: criteria provided, single submitter. Criteria: LMM Criteria. Collection method: clinical testing. Allele origin: germline. Observed: 6 variant alleles.
Comment: Ile1110Thr in exon 29 of OTOGL: This variant is not expected to have clinical si gnificance because it has been identified in 4.6% (9/194) of Luhya (Kenyan) chro mosomes from a broad population by the 1000 Genomes Project (.; dbSNP rs150426222).

PreventionGenetics, part of Exact Sciences
Classification: Likely benign for OTOGL-related condition. Last evaluated: 2023-07-17. Review status: no assertion criteria provided. Collection method: clinical testing. Allele origin: germline. Not counted in ClinVar's aggregate classification.
Comment: This variant is classified as likely benign based on ACMG/AMP sequence variant interpretation guidelines (Richards et al. 2015 PMID: 25741868, with internal and published modifications).

NM_001378609.3(OTOGL):c.3356T>C (p.Ile1119Thr)

Gene: OTOGL (otogelin like; plus strand). Cytogenetic location: 12q21.31.
Variant type: single nucleotide variant.
Coding change: c.3356T>C on transcript NM_001378609.3 (MANE Select); coding-DNA position 3356, T replaced by C.
Protein change: p.Ile1119Thr; replaces isoleucine 1119 with threonine.
Molecular consequence: missense variant.
Genome position (GRCh38, 1-based): chr12:80,310,633, T>C. VCF-style: chr12-80310633-T-C. GRCh37 (hg19) VCF-style: chr12-80704413-T-C.
Other names: c.3221T>C, p.Ile1074Thr (NM_001368062.3); c.3356T>C, p.Ile1119Thr (NM_001378610.3, NM_173591.7); short protein forms I1110T, I1074T, I1119T.
Identifiers: ClinVar variation 226941 (VCV000226941.37), dbSNP rs150426222, ClinGen allele CA6701039.